The following is an entry in ClinVar:

ClinVar aggregate classification (germline): Uncertain significance (1 of 4 stars; one submission).

Conditions:
Cardiovascular phenotype. Identifiers: MedGen CN230736.

Submission:

Ambry Genetics
Classification: Uncertain significance for Cardiovascular phenotype. Last evaluated: 2024-04-04. Review status: criteria provided, single submitter. Criteria: Ambry Variant Classification Scheme 2023. Collection method: clinical testing. Allele origin: germline.
Comment: The p.R1162I variant (also known as c.3485G>T), located in coding exon 31 of the MYBPC3 gene, results from a G to T substitution at nucleotide position 3485. The arginine at codon 1162 is replaced by isoleucine, an amino acid with similar properties. This amino acid position is conserved. In addition, the in silico prediction for this alteration is inconclusive. Based on the available evidence, the clinical significance of this variant remains unclear.

NM_000256.3(MYBPC3):c.3485G>T (p.Arg1162Ile)

Gene: MYBPC3 (myosin binding protein C3; minus strand). Cytogenetic location: 11p11.2.
Variant type: single nucleotide variant.
Coding change: c.3485G>T on transcript NM_000256.3 (MANE Select); coding-DNA position 3485, G replaced by T.
Protein change: p.Arg1162Ile; replaces arginine 1162 with isoleucine.
Molecular consequence: missense variant.
Genome position (GRCh38, 1-based): chr11:47,332,819, C>A on the plus strand (G>T on the coding strand, the complement: MYBPC3 is on the minus strand). VCF-style: chr11-47332819-C-A. GRCh37 (hg19) VCF-style: chr11-47354370-C-A.
Other names: short protein forms R1162I.
Identifiers: ClinVar variation 3297216 (VCV003297216.1).